The following is an entry in ClinVar:

ClinVar aggregate classification (germline): Uncertain significance (1 of 4 stars; one submission).

Conditions:
Gorlin syndrome. Also called: Nevoid Basal Cell Carcinoma Syndrome; Basal cell nevus syndrome. Identifiers: Orphanet 377, MedGen C0004779, MONDO:0007187.

Submission:

Labcorp Genetics (formerly Invitae), Labcorp
Classification: Uncertain significance for Gorlin syndrome. Last evaluated: 2021-06-02. Review status: criteria provided, single submitter. Criteria: Invitae Variant Classification Sherloc (09022015). Collection method: clinical testing. Allele origin: germline.
Comment: In summary, the available evidence is currently insufficient to determine the role of this variant in disease. Therefore, it has been classified as a Variant of Uncertain Significance. Advanced modeling of protein sequence and biophysical properties (such as structural, functional, and spatial information, amino acid conservation, physicochemical variation, residue mobility, and thermodynamic stability) performed at Invitae indicates that this missense variant is not expected to disrupt PTCH1 protein function. This variant has not been reported in the literature in individuals with PTCH1-related conditions. This variant is not present in population databases (ExAC no frequency). This sequence change replaces glycine with arginine at codon 1248 of the PTCH1 protein (p.Gly1248Arg). The glycine residue is moderately conserved and there is a moderate physicochemical difference between glycine and arginine.

NM_000264.5(PTCH1):c.3742G>A (p.Gly1248Arg)

Gene: PTCH1 (patched 1; minus strand). Cytogenetic location: 9q22.32.
Variant type: single nucleotide variant.
Coding change: c.3742G>A on transcript NM_000264.5 (MANE Select); coding-DNA position 3742, G replaced by A.
Protein change: p.Gly1248Arg; replaces glycine 1248 with arginine.
Molecular consequence: missense variant. On other transcripts: non-coding transcript variant (1).
Genome position (GRCh38, 1-based): chr9:95,449,131, C>T on the plus strand (G>A on the coding strand, the complement: PTCH1 is on the minus strand). VCF-style: chr9-95449131-C-T. GRCh37 (hg19) VCF-style: chr9-98211413-C-T.
Other names: c.3544G>A, p.Gly1182Arg (NM_001083602.3); c.3739G>A, p.Gly1247Arg (NM_001083603.3); c.3289G>A, p.Gly1097Arg (NM_001083604.3, NM_001083605.3, NM_001083606.3 and 1 more transcripts); c.3586G>A, p.Gly1196Arg (NM_001354918.2); short protein forms G1196R, G1247R, G1097R, G1182R, G1248R.
Identifiers: ClinVar variation 1398990 (VCV001398990.8), dbSNP rs2136597903, ClinGen allele CA374111026.